The following is an entry in ClinVar:

NM_025137.4(SPG11):c.3677C>T (p.Pro1226Leu)

Gene: SPG11 (SPG11 vesicle trafficking associated, spatacsin; minus strand). Cytogenetic location: 15q21.1.
Variant type: single nucleotide variant.
Coding change: c.3677C>T on transcript NM_025137.4 (MANE Select); coding-DNA position 3677, C replaced by T.
Protein change: p.Pro1226Leu; replaces proline 1226 with leucine.
Molecular consequence: missense variant.
Genome position (GRCh38, 1-based): chr15:44,600,476, G>A on the plus strand (C>T on the coding strand, the complement: SPG11 is on the minus strand). VCF-style: chr15-44600476-G-A. GRCh37 (hg19) VCF-style: chr15-44892674-G-A.
Other names: c.3677C>T, p.Pro1226Leu (NM_001160227.2); short protein forms P1226L.
Identifiers: ClinVar variation 1419870 (VCV001419870.5), dbSNP rs1478064859, ClinGen allele CA392231035.

ClinVar aggregate classification (germline): Uncertain significance (1 of 4 stars; one submission).

Conditions:
Hereditary spastic paraplegia 11. Also called: Nakamura Osame syndrome; Autosomal recessive hereditary spastic paraplegia, mental impairment, and thin corpus callosum; Spastic Paraplegia 11; Spastic paraplegia, mental retardation and thin corpus callosum; SPASTIC PARAPLEGIA, AUTOSOMAL RECESSIVE, COMPLICATED, WITH THIN CORPUS CALLOSUM; SPASTIC PARAPLEGIA, AUTOSOMAL RECESSIVE, WITH MENTAL IMPAIRMENT AND THIN CORPUS CALLOSUM. Identifiers: Orphanet 2822, MedGen C1858479, MONDO:0011445, OMIM 604360.

gnomAD v4.1: 3 of 1,613,754 alleles (0.00019%); highest among the groups gnomAD compares: African/African-American, 0.0027%; no homozygotes.

Submission:

Labcorp Genetics (formerly Invitae), Labcorp
Classification: Uncertain significance for Hereditary spastic paraplegia 11. Last evaluated: 2021-08-31. Review status: criteria provided, single submitter. Criteria: Invitae Variant Classification Sherloc (09022015). Collection method: clinical testing. Allele origin: germline.
Comment: This sequence change replaces proline with leucine at codon 1226 of the SPG11 protein (p.Pro1226Leu). The proline residue is highly conserved and there is a moderate physicochemical difference between proline and leucine. This variant is not present in population databases (ExAC no frequency). This variant has not been reported in the literature in individuals affected with SPG11-related conditions. Algorithms developed to predict the effect of missense changes on protein structure and function (SIFT, PolyPhen-2, Align-GVGD) all suggest that this variant is likely to be tolerated. In summary, the available evidence is currently insufficient to determine the role of this variant in disease. Therefore, it has been classified as a Variant of Uncertain Significance.